The following is an entry in ClinVar:

ClinVar aggregate classification (germline): Benign/Likely benign. Review status: criteria provided, multiple submitters, no conflicts (2 of 4 stars). 7 submissions from 7 submitters: Benign (4); Likely benign (1). 2 of the submissions do not count toward it. Last evaluated 2026-07-01.

Conditions:
Familial acute necrotizing encephalopathy (IIAE3). Also called: ENCEPHALOPATHY, ACUTE, INFECTION-INDUCED, SUSCEPTIBILITY TO, 3; Susceptibility to Acute Necrotizing Encephalopathy 1. Identifiers: Orphanet 88619, MedGen C2675556, MONDO:0011953, OMIM 608033.

Allele frequency attached by ClinVar (database versions not stated): 1000 Genomes Project 30x 0.00203; 1000 Genomes Project 0.00220; gnomAD exomes 0.00723; TOPMed 0.00731; ExAC 0.00748; gnomAD 0.00790; ESP Exome Variant Server 0.00869.
gnomAD v4.1: 16,441 of 1,614,010 alleles (1%); highest among the groups gnomAD compares: Non-Finnish European, 1.2%; 103 homozygotes.

Submissions (7):

Ambry Genetics
Classification: Likely benign. Last evaluated: 2026-07-01. Review status: criteria provided, single submitter. Criteria: Ambry Variant Classification Scheme 2023. Collection method: clinical testing. Allele origin: germline.

CeGaT Center for Human Genetics Tuebingen
Classification: Benign. Last evaluated: 2026-04-01. Review status: criteria provided, single submitter. Criteria: CeGaT Center For Human Genetics Tuebingen Variant Classification Criteria Version 2. Collection method: clinical testing. Allele origin: germline. Affected: yes. Observed: 5 variant alleles.
Comment: RANBP2: BP4, BP7, BS1, BS2

Labcorp Genetics (formerly Invitae), Labcorp
Classification: Benign for Familial acute necrotizing encephalopathy. Last evaluated: 2026-01-04. Review status: criteria provided, single submitter. Criteria: Invitae Variant Classification Sherloc (09022015). Collection method: clinical testing. Allele origin: germline.

GeneDx
Classification: Benign. Last evaluated: 2016-09-08. Review status: criteria provided, single submitter. Criteria: GeneDx Variant Classification (06012015). Collection method: clinical testing. Allele origin: germline. Affected: yes.
Comment: This variant is considered likely benign or benign based on one or more of the following criteria: it is a conservative change, it occurs at a poorly conserved position in the protein, it is predicted to be benign by multiple in silico algorithms, and/or has population frequency not consistent with disease.

Breakthrough Genomics
Classification: Benign. Review status: criteria provided, single submitter. Criteria: ACMG Guidelines, 2015. Collection method: not provided. Allele origin: germline. Inheritance: Autosomal dominant inheritance. Affected: yes.

Diagnostic Laboratory, Department of Genetics, University Medical Center Groningen
Classification: Benign for Familial acute necrotizing encephalopathy. Review status: no assertion criteria provided. Collection method: clinical testing. Allele origin: germline. Affected: yes. Study: VKGL Data-share Consensus. Not counted in ClinVar's aggregate classification.

Genome Diagnostics Laboratory, University Medical Center Utrecht
Classification: Benign. Review status: no assertion criteria provided. Collection method: clinical testing. Allele origin: germline. Affected: yes. Study: VKGL Data-share Consensus. Not counted in ClinVar's aggregate classification.

NM_006267.5(RANBP2):c.3411A>C (p.Pro1137=)

Gene: RANBP2 (RAN binding protein 2; plus strand). Cytogenetic location: 2q13.
Variant type: single nucleotide variant.
Coding change: c.3411A>C on transcript NM_006267.5 (MANE Select); coding-DNA position 3411, A replaced by C.
Protein change: p.Pro1137=; no amino-acid change (proline 1137 retained).
Molecular consequence: synonymous variant.
Genome position (GRCh38, 1-based): chr2:108,763,950, A>C. VCF-style: chr2-108763950-A-C. GRCh37 (hg19) VCF-style: chr2-109380406-A-C.
Identifiers: ClinVar variation 381210 (VCV000381210.37), dbSNP rs76461420, ClinGen allele CA1822942.